The following is an entry in ClinVar:

NM_004006.3(DMD):c.4037C>T (p.Thr1346Ile)

Gene: DMD (dystrophin; minus strand). Cytogenetic location: Xp21.1.
Variant type: single nucleotide variant.
Coding change: c.4037C>T on transcript NM_004006.3 (MANE Select); coding-DNA position 4037, C replaced by T.
Protein change: p.Thr1346Ile; replaces threonine 1346 with isoleucine.
Molecular consequence: missense variant.
Genome position (GRCh38, 1-based): chrX:32,438,275, G>A on the plus strand (C>T on the coding strand, the complement: DMD is on the minus strand). VCF-style: chrX-32438275-G-A. GRCh37 (hg19) VCF-style: chrX-32456392-G-A.
Other names: c.4013C>T, p.Thr1338Ile (NM_000109.4); c.4025C>T, p.Thr1342Ile (NM_004009.3); c.3668C>T, p.Thr1223Ile (NM_004010.3); short protein forms T1346I, T1338I, T1223I, T1342I.
Identifiers: ClinVar variation 455896 (VCV000455896.9), dbSNP rs766890056, ClinGen allele CA10379129.

ClinVar aggregate classification (germline): Uncertain significance. Review status: criteria provided, single submitter (1 of 4 stars). 2 submissions from 2 submitters: Uncertain significance (1). 1 of the submissions does not count toward it. Last evaluated 2024-12-17.

Conditions:
Becker muscular dystrophy (BMD). Also called: MUSCULAR DYSTROPHY, PSEUDOHYPERTROPHIC PROGRESSIVE, BECKER TYPE; Becker Muscular Dystrophy (BMD). Identifiers: Orphanet 98895, MedGen C0917713, MONDO:0010311, OMIM 300376.
Cardiomyopathy (CMYO). Also called: Cardiomyopathies. Identifiers: Orphanet 167848, MedGen C0878544, MONDO:0004994, HP:0001638. Inheritance: Various modes of inheritance.
Duchenne muscular dystrophy (DMD). Also called: MUSCULAR DYSTROPHY, PSEUDOHYPERTROPHIC PROGRESSIVE, DUCHENNE TYPE; Duchenne Muscular Dystrophy (DMD). Identifiers: Orphanet 98896, MedGen C0013264, MONDO:0010679, OMIM 310200.
Dystrophin deficiency.

Allele frequency attached by ClinVar (database versions not stated): TOPMed 0.00001.
gnomAD v4.1: 4 of 1,211,218 alleles (0.00033%); highest among the groups gnomAD compares: Admixed American, 0.0044%; no homozygotes.

Submissions (2):

Labcorp Genetics (formerly Invitae), Labcorp
Classification: Uncertain significance for Duchenne muscular dystrophy. Last evaluated: 2024-12-17. Review status: criteria provided, single submitter. Criteria: Invitae Variant Classification Sherloc (09022015). Collection method: clinical testing. Allele origin: germline.
Comment: This sequence change replaces threonine, which is neutral and polar, with isoleucine, which is neutral and non-polar, at codon 1346 of the DMD protein (p.Thr1346Ile). This variant is present in population databases (rs766890056, gnomAD 0.008%). This variant has not been reported in the literature in individuals affected with DMD-related conditions. ClinVar contains an entry for this variant (Variation ID: 455896). Invitae Evidence Modeling of protein sequence and biophysical properties (such as structural, functional, and spatial information, amino acid conservation, physicochemical variation, residue mobility, and thermodynamic stability) indicates that this missense variant is not expected to disrupt DMD protein function with a negative predictive value of 95%. In summary, the available evidence is currently insufficient to determine the role of this variant in disease. Therefore, it has been classified as a Variant of Uncertain Significance.

Natera, Inc.
Classification: Uncertain significance for Becker muscular dystrophy; Cardiomyopathy; Duchenne muscular dystrophy; Dystrophin deficiency. Last evaluated: 2018-09-20. Review status: no assertion criteria provided. Collection method: clinical testing. Allele origin: germline. Not counted in ClinVar's aggregate classification.